The following is an entry in ClinVar:

NM_213599.3(ANO5):c.1648C>A (p.Gln550Lys)

Gene: ANO5 (anoctamin 5; plus strand). Cytogenetic location: 11p14.3.
Variant type: single nucleotide variant.
Coding change: c.1648C>A on transcript NM_213599.3 (MANE Select); coding-DNA position 1648, C replaced by A.
Protein change: p.Gln550Lys; replaces glutamine 550 with lysine.
Molecular consequence: missense variant.
Genome position (GRCh38, 1-based): chr11:22,262,146, C>A. VCF-style: chr11-22262146-C-A. GRCh37 (hg19) VCF-style: chr11-22283692-C-A.
Other names: c.1645C>A, p.Gln549Lys (NM_001142649.2); short protein forms Q549K, Q550K.
Identifiers: ClinVar variation 1434456 (VCV001434456.6), dbSNP rs1854208561, ClinGen allele CA379922503.

ClinVar aggregate classification (germline): Uncertain significance (1 of 4 stars; one submission).

Conditions:
Gnathodiaphyseal dysplasia (GDD). Also called: GNATHODIAPHYSEAL SCLEROSIS; OSTEOGENESIS IMPERFECTA WITH UNUSUAL SKELETAL LESIONS. Identifiers: Orphanet 53697, MedGen C1833736, MONDO:0008151, OMIM 166260.
Autosomal recessive limb-girdle muscular dystrophy type 2L (LGMDR12). Also called: Limb-girdle muscular dystrophy, type 2L; Limb-Girdle Muscular Dystrophy R12 Anoctamin-5-Related (LGMD-R12); MUSCULAR DYSTROPHY, LIMB-GIRDLE, AUTOSOMAL RECESSIVE 12. Identifiers: Orphanet 206549, MedGen C1969785, MONDO:0012652, OMIM 611307.

Submission:

Labcorp Genetics (formerly Invitae), Labcorp
Classification: Uncertain significance for Autosomal recessive limb-girdle muscular dystrophy type 2L; Gnathodiaphyseal dysplasia. Last evaluated: 2021-09-26. Review status: criteria provided, single submitter. Criteria: Invitae Variant Classification Sherloc (09022015). Collection method: clinical testing. Allele origin: germline.
Comment: This variant has not been reported in the literature in individuals affected with ANO5-related conditions. This sequence change replaces glutamine with lysine at codon 550 of the ANO5 protein (p.Gln550Lys). The glutamine residue is weakly conserved and there is a small physicochemical difference between glutamine and lysine. This variant is not present in population databases (ExAC no frequency). Algorithms developed to predict the effect of missense changes on protein structure and function are either unavailable or do not agree on the potential impact of this missense change (SIFT: "Tolerated"; PolyPhen-2: "Probably Damaging"; Align-GVGD: "Class C0"). In summary, the available evidence is currently insufficient to determine the role of this variant in disease. Therefore, it has been classified as a Variant of Uncertain Significance.